The following is an entry in ClinVar:

NM_017999.5(RNF31):c.1444G>C (p.Asp482His)

Gene: RNF31 (ring finger protein 31; plus strand). Cytogenetic location: 14q12.
Variant type: single nucleotide variant.
Coding change: c.1444G>C on transcript NM_017999.5 (MANE Select); coding-DNA position 1444, G replaced by C.
Protein change: p.Asp482His; replaces aspartic acid 482 with histidine.
Molecular consequence: missense variant.
Genome position (GRCh38, 1-based): chr14:24,150,844, G>C. VCF-style: chr14-24150844-G-C. GRCh37 (hg19) VCF-style: chr14-24620053-G-C.
Other names: c.991G>C, p.Asp331His (NM_001310332.2); short protein forms D482H, D331H.
Identifiers: ClinVar variation 3643625 (VCV003643625.2).
Genomic context (GRCh38, chr14:24,150,844, plus strand): 5'-CCACGACGCCTTAGTGCCCCCCTGCCCAGTTCCTGTGGAGATCCTGAGAAGCAGCGCCAA[G>C]ACAAGATGCGGGAAGAAGGCCTCCAGCTAGTGAGCATGATCCGGGTAAGGACTGGGCCTG-3'
Protein context (NP_060469.4, residues 472-492): SCGDPEKQRQ[Asp482His]KMREEGLQLV

ClinVar aggregate classification (germline): Uncertain significance (1 of 4 stars; one submission).

Submission:

Labcorp Genetics (formerly Invitae), Labcorp
Classification: Uncertain significance. Last evaluated: 2024-02-28. Review status: criteria provided, single submitter. Criteria: Invitae Variant Classification Sherloc (09022015). Collection method: clinical testing. Allele origin: germline.
Comment: This sequence change replaces aspartic acid, which is acidic and polar, with histidine, which is basic and polar, at codon 482 of the RNF31 protein (p.Asp482His). This variant is not present in population databases (gnomAD no frequency). This variant has not been reported in the literature in individuals affected with RNF31-related conditions. An algorithm developed to predict the effect of missense changes on protein structure and function (PolyPhen-2) suggests that this variant is likely to be disruptive. In summary, the available evidence is currently insufficient to determine the role of this variant in disease. Therefore, it has been classified as a Variant of Uncertain Significance.